The following is an entry in ClinVar:

ClinVar aggregate classification (germline): Benign/Likely benign. Review status: criteria provided, multiple submitters, no conflicts (2 of 4 stars). 7 submissions from 7 submitters: Benign (2); Likely benign (2). 3 of the submissions do not count toward it. Last evaluated 2025-11-23.

Conditions:
ALG13-related disorder. Also called: ALG13-related condition.
Developmental and epileptic encephalopathy, 36 (DEE36). Also called: ALG13-CDG; Epileptic encephalopathy, early infantile, 36; Congenital disorder of glycosylation, type Is. Identifiers: Orphanet 324422, MedGen C4317295, MONDO:0010472, OMIM 300884.

Allele frequency attached by ClinVar (database versions not stated): gnomAD exomes 0.00009 and 0.00021; ExAC 0.00012; ESP Exome Variant Server 0.00012; gnomAD 0.00012 and 0.00013; TOPMed 0.00012.
gnomAD v4.1: 245 of 1,200,879 alleles (0.02%); highest among the groups gnomAD compares: Non-Finnish European, 0.026%; no homozygotes.

Submissions (7):

Labcorp Genetics (formerly Invitae), Labcorp
Classification: Benign for Developmental and epileptic encephalopathy, 36. Last evaluated: 2025-11-23. Review status: criteria provided, single submitter. Criteria: Invitae Variant Classification Sherloc (09022015). Collection method: clinical testing. Allele origin: germline.

Blueprint Genetics
Classification: Likely benign. Last evaluated: 2024-04-12. Review status: criteria provided, single submitter. Criteria: ACMG Guidelines, 2015. Collection method: clinical testing. Allele origin: germline.

Fulgent Genetics
Classification: Likely benign for Developmental and epileptic encephalopathy, 36. Last evaluated: 2022-03-25. Review status: criteria provided, single submitter. Criteria: ACMG Guidelines, 2015. Collection method: clinical testing. Allele origin: unknown.

Breakthrough Genomics
Classification: Benign. Review status: criteria provided, single submitter. Criteria: ACMG Guidelines, 2015. Collection method: not provided. Allele origin: germline. Inheritance: X-linked inheritance. Affected: yes.

PreventionGenetics, part of Exact Sciences
Classification: Likely benign for ALG13-related condition. Last evaluated: 2019-05-28. Review status: no assertion criteria provided. Collection method: clinical testing. Allele origin: germline. Not counted in ClinVar's aggregate classification.
Comment: This variant is classified as likely benign based on ACMG/AMP sequence variant interpretation guidelines (Richards et al. 2015 PMID: 25741868, with internal and published modifications).

Clinical Genetics DNA and cytogenetics Diagnostics Lab, Erasmus MC, Erasmus Medical Center
Classification: Likely benign. Review status: no assertion criteria provided. Collection method: clinical testing. Allele origin: germline. Affected: yes. Study: VKGL Data-share Consensus. Not counted in ClinVar's aggregate classification.

Genome Diagnostics Laboratory, University Medical Center Utrecht
Classification: Likely benign. Review status: no assertion criteria provided. Collection method: clinical testing. Allele origin: germline. Affected: yes. Study: VKGL Data-share Consensus. Not counted in ClinVar's aggregate classification.

NM_001099922.3(ALG13):c.2685C>T (p.His895=)

Gene: ALG13 (ALG13 UDP-N-acetylglucosaminyltransferase subunit; plus strand). Cytogenetic location: Xq23.
Variant type: single nucleotide variant.
Coding change: c.2685C>T on transcript NM_001099922.3 (MANE Select); coding-DNA position 2685, C replaced by T.
Protein change: p.His895=; no amino-acid change (histidine 895 retained).
Molecular consequence: synonymous variant. On other transcripts: non-coding transcript variant (1).
Genome position (GRCh38, 1-based): chrX:111,736,869, C>T. VCF-style: chrX-111736869-C-T. GRCh37 (hg19) VCF-style: chrX-110980097-C-T.
Other names: c.2373C>T, p.His791= (NM_001257230.2, NM_001257234.2, NM_001257237.2); c.2451C>T, p.His817= (NM_001257231.2); c.2685C>T, p.His895= (NM_001324292.2); c.2199C>T, p.His733= (NM_001324293.1); c.2685C>T (NM_001099922.2).
Identifiers: ClinVar variation 1165901 (VCV001165901.16), dbSNP rs374572450, ClinGen allele CA10493953.